The following is an entry in ClinVar:

ClinVar aggregate classification (germline): Uncertain significance (1 of 4 stars; one submission).

Conditions:
Tuberous sclerosis 1 (TSC1). Identifiers: Orphanet 805, MedGen C1854465, MONDO:0008612, OMIM 191100.

Submission:

Labcorp Genetics (formerly Invitae), Labcorp
Classification: Uncertain significance for Tuberous sclerosis 1. Last evaluated: 2018-05-29. Review status: criteria provided, single submitter. Criteria: Invitae Variant Classification Sherloc (09022015). Collection method: clinical testing. Allele origin: germline.
Comment: This sequence change replaces alanine with valine at codon 728 of the TSC1 protein (p.Ala728Val). The alanine residue is highly conserved and there is a small physicochemical difference between alanine and valine. This variant is not present in population databases (ExAC no frequency). In summary, the available evidence is currently insufficient to determine the role of this variant in disease. Therefore, it has been classified as a Variant of Uncertain Significance. Algorithms developed to predict the effect of missense changes on protein structure and function are either unavailable or do not agree on the potential impact of this missense change (SIFT: "Deleterious"; PolyPhen-2: "Possibly Damaging"; Align-GVGD: "Class C0"). This variant has not been reported in the literature in individuals with TSC1-related disease.

NM_000368.5(TSC1):c.2183C>T (p.Ala728Val)

Gene: TSC1 (TSC complex subunit 1; minus strand). Cytogenetic location: 9q34.13.
Variant type: single nucleotide variant.
Coding change: c.2183C>T on transcript NM_000368.5 (MANE Select); coding-DNA position 2183, C replaced by T.
Protein change: p.Ala728Val; replaces alanine 728 with valine.
Molecular consequence: missense variant.
Genome position (GRCh38, 1-based): chr9:132,903,676, G>A on the plus strand (C>T on the coding strand, the complement: TSC1 is on the minus strand). VCF-style: chr9-132903676-G-A. GRCh37 (hg19) VCF-style: chr9-135779063-G-A.
Other names: c.2180C>T, p.Ala727Val (NM_001162426.2); c.2030C>T, p.Ala677Val (NM_001162427.2); c.1820C>T, p.Ala607Val (NM_001362177.2); short protein forms A728V, A727V, A607V, A677V.
Identifiers: ClinVar variation 571233 (VCV000571233.8), dbSNP rs1564478337, ClinGen allele CA375360696.
Genomic context (GRCh38, chr9:132,903,676, plus strand): 5'-AAGCAAGCTCCACCTGTCCCCTCCCCAGTCCTCACCATGGCAGCATTATGTTCCTCCAGA[G>A]CTGCTGCTTTGATCACCTTGCGGAGGAGCCGCCTGTTCCGGAGGGCATGCTGCTGCCTCT-3'
Protein context (NP_000359.1, residues 718-738): RLLRKVIKAA[Ala728Val]LEEHNAAMKD